The following is an entry in ClinVar:

NM_052947.4(ALPK2):c.4713C>A (p.Asp1571Glu)

Genes: ALPK2 (alpha kinase 2; minus strand), LOC126862764 (BRD4-independent group 4 enhancer GRCh37_chr18:56202574-56203773; plus strand). Cytogenetic location: 18q21.31.
Variant type: single nucleotide variant.
Coding change: c.4713C>A on transcript NM_052947.4 (MANE Select); coding-DNA position 4713, C replaced by A.
Protein change: p.Asp1571Glu; replaces aspartic acid 1571 with glutamic acid.
Molecular consequence: missense variant.
Genome position (GRCh38, 1-based): chr18:58,535,474, G>T on the plus strand (C>A on the coding strand, the complement: ALPK2 is on the minus strand). VCF-style: chr18-58535474-G-T. GRCh37 (hg19) VCF-style: chr18-56202706-G-T.
Other names: short protein forms D1571E.
Identifiers: ClinVar variation 1742600 (VCV001742600.2), dbSNP rs776249868, ClinGen allele CA402560230.

ClinVar aggregate classification (germline): Uncertain significance (1 of 4 stars; one submission).

gnomAD v4.1: 1 of 1,614,210 alleles (0.000062%); highest among the groups gnomAD compares: African/African-American, 0.0013%; no homozygotes.

Submission:

Ambry Genetics
Classification: Uncertain significance. Last evaluated: 2022-03-23. Review status: criteria provided, single submitter. Criteria: Ambry Variant Classification Scheme 2023. Collection method: clinical testing. Allele origin: germline.
Comment: The p.D1571E variant (also known as c.4713C>A), located in coding exon 4 of the ALPK2 gene, results from a C to A substitution at nucleotide position 4713. The aspartic acid at codon 1571 is replaced by glutamic acid, an amino acid with highly similar properties. This amino acid position is conserved. In addition, this alteration is predicted to be tolerated by in silico analysis. Since supporting evidence is limited at this time, the clinical significance of this alteration remains unclear.